The following is an entry in ClinVar:

ClinVar aggregate classification (germline): Uncertain significance (1 of 4 stars; one submission).

Conditions:
Dilated cardiomyopathy 1O (CMD1O). Also called: CARDIOMYOPATHY, DILATED, WITH VENTRICULAR TACHYCARDIA. Identifiers: Orphanet 154, MedGen C1837839, MONDO:0012062, OMIM 608569.

Allele frequency attached by ClinVar (database versions not stated): gnomAD exomes below 0.00001; TOPMed below 0.00001.
gnomAD v4.1: 4 of 1,613,636 alleles (0.00025%); highest among the groups gnomAD compares: African/African-American, 0.0027%; no homozygotes.

Submission:

Labcorp Genetics (formerly Invitae), Labcorp
Classification: Uncertain significance for Dilated cardiomyopathy 1O. Last evaluated: 2025-05-16. Review status: criteria provided, single submitter. Criteria: Invitae Variant Classification Sherloc (09022015). Collection method: clinical testing. Allele origin: germline.
Comment: This sequence change replaces histidine, which is basic and polar, with arginine, which is basic and polar, at codon 83 of the ABCC9 protein (p.His83Arg). This variant is not present in population databases (gnomAD no frequency). This variant has not been reported in the literature in individuals affected with ABCC9-related conditions. ClinVar contains an entry for this variant (Variation ID: 2734052). Invitae Evidence Modeling of protein sequence and biophysical properties (such as structural, functional, and spatial information, amino acid conservation, physicochemical variation, residue mobility, and thermodynamic stability) has been performed for this missense variant. However, the output from this modeling did not meet the statistical confidence thresholds required to predict the impact of this variant on ABCC9 protein function. In summary, the available evidence is currently insufficient to determine the role of this variant in disease. Therefore, it has been classified as a Variant of Uncertain Significance.

NM_020297.4(ABCC9):c.248A>G (p.His83Arg)

Gene: ABCC9 (ATP binding cassette subfamily C member 9; minus strand). Cytogenetic location: 12p12.1.
Variant type: single nucleotide variant.
Coding change: c.248A>G on transcript NM_020297.4 (MANE Select); coding-DNA position 248, A replaced by G.
Protein change: p.His83Arg; replaces histidine 83 with arginine.
Molecular consequence: missense variant. On other transcripts: 5 prime UTR variant (1).
Genome position (GRCh38, 1-based): chr12:21,933,818, T>C on the plus strand (A>G on the coding strand, the complement: ABCC9 is on the minus strand). VCF-style: chr12-21933818-T-C. GRCh37 (hg19) VCF-style: chr12-22086752-T-C.
Other names: c.248A>G, p.His83Arg (NM_001377273.1, NM_005691.4); c.-207A>G (NM_001377274.1); short protein forms H83R.
Identifiers: ClinVar variation 2734052 (VCV002734052.3), dbSNP rs1949379077, ClinGen allele CA384131408.